The following is an entry in ClinVar:

NM_001365951.3(KIF1B):c.1463A>G (p.Asn488Ser)

Gene: KIF1B (kinesin family member 1B; plus strand). Cytogenetic location: 1p36.22.
Variant type: single nucleotide variant.
Coding change: c.1463A>G on transcript NM_001365951.3 (MANE Select); coding-DNA position 1463, A replaced by G.
Protein change: p.Asn488Ser; replaces asparagine 488 with serine.
Molecular consequence: missense variant.
Genome position (GRCh38, 1-based): chr1:10,291,110, A>G. VCF-style: chr1-10291110-A-G. GRCh37 (hg19) VCF-style: chr1-10351168-A-G.
Other names: c.1463A>G, p.Asn488Ser (NM_001365952.1); c.1325A>G, p.Asn442Ser (NM_001365953.1, NM_015074.3, NM_183416.4); short protein forms N442S, N488S.
Identifiers: ClinVar variation 4043153 (VCV004043153.1).

ClinVar aggregate classification (germline): Uncertain significance (1 of 4 stars; one submission).

Submission:

Ambry Genetics
Classification: Uncertain significance. Last evaluated: 2025-05-29. Review status: criteria provided, single submitter. Criteria: Ambry Variant Classification Scheme 2023. Collection method: clinical testing. Allele origin: germline.
Comment: The p.N442S variant (also known as c.1325A>G), located in coding exon 13 of the KIF1B gene, results from an A to G substitution at nucleotide position 1325. The asparagine at codon 442 is replaced by serine, an amino acid with highly similar properties. This amino acid position is conserved. In addition, this alteration is predicted to be tolerated by in silico analysis. Based on the available evidence, the clinical significance of this variant remains unclear.